The following is an entry in ClinVar:

ClinVar aggregate classification (germline): Uncertain significance (1 of 4 stars; one submission).

Conditions:
Neurodevelopmental disorder with dysmorphic facies and distal limb anomalies. Identifiers: Orphanet 686482, MedGen C4540327, MONDO:0060596, OMIM 617755.

gnomAD v4.1: 1 of 1,613,736 alleles (0.000062%); highest among the groups gnomAD compares: Non-Finnish European, 0.000085%; no homozygotes.

Submission:

Dasa
Classification: Uncertain significance for Neurodevelopmental disorder with dysmorphic facies and distal limb anomalies. Last evaluated: 2025-12-23. Review status: criteria provided, single submitter. Criteria: DASA Assertion Criteria. Collection method: clinical testing. Allele origin: germline.
Comment: NM_182641.4(BPTF):c.6916T>C (p.Ser2306Pro) is a missense variant that results in the substitution of serine with proline. This variant is rare in population databases. Computational prediction algorithms are consistent with a benign effect. The currently available literature and clinical evidence are not sufficient to establish a definitive association between this variant and the reported condition. Therefore, this variant is classified as a variant of uncertain significance.

NM_182641.4(BPTF):c.6916T>C (p.Ser2306Pro)

Gene: BPTF (bromodomain PHD finger transcription factor; plus strand). Cytogenetic location: 17q24.2.
Variant type: single nucleotide variant.
Coding change: c.6916T>C on transcript NM_182641.4 (MANE Select); coding-DNA position 6916, T replaced by C.
Protein change: p.Ser2306Pro; replaces serine 2306 with proline.
Molecular consequence: missense variant.
Genome position (GRCh38, 1-based): chr17:67,945,624, T>C. VCF-style: chr17-67945624-T-C. GRCh37 (hg19) VCF-style: chr17-65941740-T-C.
Other names: c.7105T>C, p.Ser2369Pro (NM_001439139.1, NM_001439143.1, NM_001439144.1); c.7294T>C, p.Ser2432Pro (NM_001439140.1, NM_001439142.1, NM_004459.7); c.7267T>C, p.Ser2423Pro (NM_001439141.1); short protein forms S2306P, S2369P, S2423P, S2432P.
Identifiers: ClinVar variation 4883360 (VCV004883360.2).